The following is an entry in ClinVar:

NM_001369.3(DNAH5):c.10059del (p.Ser3353_Leu3354insTer)

Gene: DNAH5 (dynein axonemal heavy chain 5; minus strand). Cytogenetic location: 5p15.2.
Variant type: Deletion.
Coding change: c.10059del on transcript NM_001369.3 (MANE Select); coding-DNA position 10059, one base deleted (C; older notation c.10059delC).
Protein change: p.Ser3353_Leu3354insTer.
Molecular consequence: frameshift variant.
Genome position (GRCh38, 1-based): chr5:13,766,018, G deleted on the plus strand (C on the coding strand, the reverse complement: DNAH5 is on the minus strand); the first of 2 consecutive G bases (chr5:13,766,018-13,766,019); deleting either gives the same sequence. VCF-style (leftmost placement, unchanged base first): chr5-13766017-AG-A. GRCh37 (hg19) VCF-style: chr5-13766126-AG-A.
Identifiers: ClinVar variation 2903620 (VCV002903620.4), dbSNP rs2546647978, ClinGen allele CA2739274609.

ClinVar aggregate classification (germline): Pathogenic. Review status: criteria provided, multiple submitters, no conflicts (2 of 4 stars). 2 submissions from 2 submitters: Pathogenic (2). Last evaluated 2025-11-24.

Conditions:
Primary ciliary dyskinesia 3. Identifiers: Orphanet 244, MedGen C1837618, MONDO:0012085, OMIM 608644.
Primary ciliary dyskinesia. Also called: Ciliary dyskinesia. Identifiers: Orphanet 244, MedGen C0008780, MONDO:0016575, HP:0012265.

Submissions (2):

Myriad Genetics, Inc.
Classification: Pathogenic for Primary ciliary dyskinesia 3. Last evaluated: 2025-11-24. Review status: criteria provided, single submitter. Criteria: Myriad Autosomal Dominant, Autosomal Recessive and X-Linked Classification Criteria (2023). Collection method: clinical testing. Allele origin: unknown.
Comment: NM_001369.2(DNAH5):c.10059delC(L3354*) is a nonsense variant classified as pathogenic in the context of primary ciliary dyskinesia, DNAH5-related. L3354* has not been observed in cases with relevant disease. Relevant functional assessments of this variant are not available in the literature. L3354* has not been observed in referenced population frequency databases. In summary, NM_001369.2(DNAH5):c.10059delC(L3354*) is a nonsense variant in a gene where loss of function is a known mechanism of disease and is predicted to disrupt protein function. Please note: this variant was assessed in the context of healthy population screening.

Labcorp Genetics (formerly Invitae), Labcorp
Classification: Pathogenic for Primary ciliary dyskinesia. Last evaluated: 2023-10-19. Review status: criteria provided, single submitter. Criteria: Invitae Variant Classification Sherloc (09022015). Collection method: clinical testing. Allele origin: germline.
Comment: This sequence change creates a premature translational stop signal (p.Leu3354*) in the DNAH5 gene. It is expected to result in an absent or disrupted protein product. Loss-of-function variants in DNAH5 are known to be pathogenic (PMID: 11788826, 16627867). This variant is not present in population databases (gnomAD no frequency). This variant has not been reported in the literature in individuals affected with DNAH5-related conditions. For these reasons, this variant has been classified as Pathogenic.

Literature cited by the submitters: PubMed 11788826 (cited by Labcorp Genetics (formerly Invitae), Labcorp); PubMed 16627867 (cited by Labcorp Genetics (formerly Invitae), Labcorp).